The following is an entry in ClinVar:

NM_001267550.2(TTN):c.52034G>C (p.Gly17345Ala)

Genes: TTN (titin; minus strand), TTN-AS1 (TTN antisense RNA 1; plus strand). Cytogenetic location: 2q31.2.
Variant type: single nucleotide variant.
Coding change: c.52034G>C on transcript NM_001267550.2 (MANE Select); coding-DNA position 52034, G replaced by C.
Protein change: p.Gly17345Ala; replaces glycine 17345 with alanine.
Molecular consequence: missense variant.
Genome position (GRCh38, 1-based): chr2:178,609,276, C>G on the plus strand (G>C on the coding strand, the complement: TTN is on the minus strand). VCF-style: chr2-178609276-C-G. GRCh37 (hg19) VCF-style: chr2-179474003-C-G.
Other names: c.47111G>C, p.Gly15704Ala (NM_001256850.1); c.24839G>C, p.Gly8280Ala (NM_003319.4); c.44330G>C, p.Gly14777Ala (NM_133378.4); c.25214G>C, p.Gly8405Ala (NM_133432.3); c.25415G>C, p.Gly8472Ala (NM_133437.4); short protein forms G14777A, G15704A, G17345A, G8280A, G8405A, G8472A.
Identifiers: ClinVar variation 1806805 (VCV001806805.1), dbSNP rs2470381379, ClinGen allele CA349577932.

ClinVar aggregate classification (germline): Uncertain significance (1 of 4 stars; one submission).

Submission:

GeneDx
Classification: Uncertain significance. Last evaluated: 2022-06-21. Review status: criteria provided, single submitter. Criteria: GeneDx Variant Classification Process June 2021. Collection method: clinical testing. Allele origin: germline. Affected: yes.
Comment: Not observed at significant frequency in large population cohorts (gnomAD); Missense variant in a gene in which most reported pathogenic variants are truncating/loss of function; Has not been previously published as pathogenic or benign to our knowledge